The following is an entry in ClinVar:

ClinVar aggregate classification (germline): Uncertain significance (1 of 4 stars; one submission).

Conditions:
Combined immunodeficiency due to CTPS1 deficiency. Also called: Severe combined immunodeficiency due to CTPS1 deficiency; Immunodeficiency 24. Identifiers: Orphanet 420573, MedGen C4014617, MONDO:0014391, OMIM 615897.

Submission:

Labcorp Genetics (formerly Invitae), Labcorp
Classification: Uncertain significance for Combined immunodeficiency due to CTPS1 deficiency. Last evaluated: 2024-06-13. Review status: criteria provided, single submitter. Criteria: Invitae Variant Classification Sherloc (09022015). Collection method: clinical testing. Allele origin: germline.
Comment: This sequence change falls in intron 10 of the CTPS1 gene. It does not directly change the encoded amino acid sequence of the CTPS1 protein. It affects a nucleotide within the consensus splice site. This variant is present in population databases (rs777269974, gnomAD 0.0009%). This variant has not been reported in the literature in individuals affected with CTPS1-related conditions. Variants that disrupt the consensus splice site are a relatively common cause of aberrant splicing (PMID: 17576681, 9536098). Algorithms developed to predict the effect of sequence changes on RNA splicing suggest that this variant is not likely to affect RNA splicing. In summary, the available evidence is currently insufficient to determine the role of this variant in disease. Therefore, it has been classified as a Variant of Uncertain Significance.

Literature cited by the submitters: PubMed 17576681; PubMed 9536098.

NM_001905.4(CTPS1):c.1094+3G>A

Gene: CTPS1 (CTP synthase 1; plus strand). Cytogenetic location: 1p34.2.
Variant type: single nucleotide variant.
Coding change: c.1094+3G>A on transcript NM_001905.4 (MANE Select); 3 bases into the intron after coding-DNA position 1094, G replaced by A.
Molecular consequence: intron variant.
Genome position (GRCh38, 1-based): chr1:41,001,120, G>A. VCF-style: chr1-41001120-G-A. GRCh37 (hg19) VCF-style: chr1-41466792-G-A.
Other names: c.626+3G>A (NM_001301237.2).
Identifiers: ClinVar variation 3683067 (VCV003683067.2).